The following is an entry in ClinVar:

NM_005236.3(ERCC4):c.323T>C (p.Phe108Ser)

Gene: ERCC4 (ERCC excision repair 4, endonuclease catalytic subunit; plus strand). Cytogenetic location: 16p13.12.
Variant type: single nucleotide variant.
Coding change: c.323T>C on transcript NM_005236.3 (MANE Select); coding-DNA position 323, T replaced by C.
Protein change: p.Phe108Ser; replaces phenylalanine 108 with serine.
Molecular consequence: missense variant.
Genome position (GRCh38, 1-based): chr16:13,922,146, T>C. VCF-style: chr16-13922146-T-C. GRCh37 (hg19) VCF-style: chr16-14016003-T-C.
Other names: short protein forms F108S.
Identifiers: ClinVar variation 4782691 (VCV004782691.1).
Genomic context (GRCh38, chr16:13,922,146, plus strand): 5'-TAACAAATGAAATCACAAGCAACAGTCGCTATGAAGTTTACACACAAGGTGGTGTTATAT[T>C]TGCGACAAGTAGGATACTTGTGGTTGACTTCTTGACTGATAGAATACCTTCAGATTTAAT-3'
Protein context (NP_005227.1, residues 98-118): YEVYTQGGVI[Phe108Ser]ATSRILVVDF

ClinVar aggregate classification (germline): Uncertain significance (1 of 4 stars; one submission).

Conditions:
Xeroderma pigmentosum, group F (XPF). Also called: ERCC4-Related Xeroderma Pigmentosum; XERODERMA PIGMENTOSUM, COMPLEMENTATION GROUP F; XERODERMA PIGMENTOSUM, TYPE F; Xeroderma pigmentosum, type 6; XERODERMA PIGMENTOSUM VI; XP, GROUP F. Identifiers: MedGen C0268140, MONDO:0010215, OMIM 278760.
Cockayne syndrome. Identifiers: Orphanet 191, MedGen C0009207, MONDO:0016006.
Fanconi anemia complementation group Q. Identifiers: Orphanet 84, MedGen C3808988, MONDO:0014108, OMIM 615272.

Submission:

Labcorp Genetics (formerly Invitae), Labcorp
Classification: Uncertain significance for Fanconi anemia complementation group Q; Xeroderma pigmentosum, group F; Cockayne syndrome. Last evaluated: 2025-03-06. Review status: criteria provided, single submitter. Criteria: Invitae Variant Classification Sherloc (09022015). Collection method: clinical testing. Allele origin: germline.
Comment: This sequence change replaces phenylalanine, which is neutral and non-polar, with serine, which is neutral and polar, at codon 108 of the ERCC4 protein (p.Phe108Ser). This variant is not present in population databases (gnomAD no frequency). This variant has not been reported in the literature in individuals affected with ERCC4-related conditions. Invitae Evidence Modeling of protein sequence and biophysical properties (such as structural, functional, and spatial information, amino acid conservation, physicochemical variation, residue mobility, and thermodynamic stability) indicates that this missense variant is not expected to disrupt ERCC4 protein function with a negative predictive value of 80%. In summary, the available evidence is currently insufficient to determine the role of this variant in disease. Therefore, it has been classified as a Variant of Uncertain Significance.